The following is an entry in ClinVar:

NM_001040108.2(MLH3):c.3203T>A (p.Ile1068Asn)

Gene: MLH3 (mutL homolog 3; minus strand). Cytogenetic location: 14q24.3.
Variant type: single nucleotide variant.
Coding change: c.3203T>A on transcript NM_001040108.2 (MANE Select); coding-DNA position 3203, T replaced by A.
Protein change: p.Ile1068Asn; replaces isoleucine 1068 with asparagine.
Molecular consequence: missense variant.
Genome position (GRCh38, 1-based): chr14:75,046,453, A>T on the plus strand (T>A on the coding strand, the complement: MLH3 is on the minus strand). VCF-style: chr14-75046453-A-T. GRCh37 (hg19) VCF-style: chr14-75513156-A-T.
Other names: c.3203T>A, p.Ile1068Asn (NM_014381.3); short protein forms I1068N.
Identifiers: ClinVar variation 2448675 (VCV002448675.2), dbSNP rs2503251700, ClinGen allele CA390435052.

ClinVar aggregate classification (germline): Uncertain significance (1 of 4 stars; one submission).

Allele frequency attached by ClinVar (database versions not stated): gnomAD exomes below 0.00001.
gnomAD v4.1: 1 of 1,614,192 alleles (0.000062%); highest among the groups gnomAD compares: Non-Finnish European, 0.000085%; no homozygotes.

Submission:

Ambry Genetics
Classification: Uncertain significance. Last evaluated: 2023-02-28. Review status: criteria provided, single submitter. Criteria: Ambry Variant Classification Scheme 2023. Collection method: clinical testing. Allele origin: germline.
Comment: The p.I1068N variant (also known as c.3203T>A), located in coding exon 1 of the MLH3 gene, results from a T to A substitution at nucleotide position 3203. The isoleucine at codon 1068 is replaced by asparagine, an amino acid with dissimilar properties. This amino acid position is conserved. In addition, this alteration is predicted to be tolerated by in silico analysis. Since supporting evidence is limited at this time, the clinical significance of this alteration remains unclear.